The following is an entry in ClinVar:

NM_000222.3(KIT):c.2179G>C (p.Gly727Arg)

Gene: KIT (KIT proto-oncogene, receptor tyrosine kinase; plus strand). Cytogenetic location: 4q12.
Variant type: single nucleotide variant.
Coding change: c.2179G>C on transcript NM_000222.3 (MANE Select); coding-DNA position 2179, G replaced by C.
Protein change: p.Gly727Arg; replaces glycine 727 with arginine.
Molecular consequence: missense variant.
Genome position (GRCh38, 1-based): chr4:54,731,365, G>C. VCF-style: chr4-54731365-G-C. GRCh37 (hg19) VCF-style: chr4-55597531-G-C.
Other names: c.2167G>C, p.Gly723Arg (NM_001093772.2, NM_001385292.1); c.2182G>C, p.Gly728Arg (NM_001385284.1); c.2176G>C, p.Gly726Arg (NM_001385285.1); c.2164G>C, p.Gly722Arg (NM_001385286.1); c.2170G>C, p.Gly724Arg (NM_001385288.1); c.2179G>C, p.Gly727Arg (NM_001385290.1); c.2179G>C (NM_000222.2); short protein forms G724R, G727R, G728R, G726R, G722R, G723R.
Identifiers: ClinVar variation 1043931 (VCV001043931.10), dbSNP rs1722585213, ClinGen allele CA356910243.

ClinVar aggregate classification (germline): Uncertain significance. Review status: criteria provided, multiple submitters, no conflicts (2 of 4 stars). 2 submissions from 2 submitters: Uncertain significance (2). Last evaluated 2024-11-11.

Conditions:
Gastrointestinal stromal tumor. Also called: Gastrointestinal stromal tumor, somatic; Gastrointestinal stroma tumor. Identifiers: Orphanet 44890, MedGen C0238198, MeSH D046152, MONDO:0011719, OMIM 606764, HP:0100723.
Hereditary cancer-predisposing syndrome. Also called: Tumor predisposition; Neoplastic Syndromes, Hereditary; Hereditary neoplastic syndrome; Hereditary Cancer Syndrome. Identifiers: Orphanet 140162, MedGen C0027672, MeSH D009386, MONDO:0015356.

Submissions (2):

Ambry Genetics
Classification: Uncertain significance for Hereditary cancer-predisposing syndrome. Last evaluated: 2024-11-11. Review status: criteria provided, single submitter. Criteria: Ambry Variant Classification Scheme 2023. Collection method: clinical testing. Allele origin: germline.
Comment: The p.G727R variant (also known as c.2179G>C), located in coding exon 15 of the KIT gene, results from a G to C substitution at nucleotide position 2179. The glycine at codon 727 is replaced by arginine, an amino acid with dissimilar properties. This amino acid position is conserved. In addition, the in silico prediction for this alteration is inconclusive. Based on the available evidence, the clinical significance of this variant remains unclear.

Labcorp Genetics (formerly Invitae), Labcorp
Classification: Uncertain significance for Gastrointestinal stromal tumor. Last evaluated: 2020-04-27. Review status: criteria provided, single submitter. Criteria: Invitae Variant Classification Sherloc (09022015). Collection method: clinical testing. Allele origin: germline.
Comment: Algorithms developed to predict the effect of missense changes on protein structure and function are either unavailable or do not agree on the potential impact of this missense change (SIFT: "Deleterious"; PolyPhen-2: "Probably Damaging"; Align-GVGD: "Class C15"). This variant has not been reported in the literature in individuals with KIT-related conditions. This variant is not present in population databases (ExAC no frequency). This sequence change replaces glycine with arginine at codon 727 of the KIT protein (p.Gly727Arg). The glycine residue is highly conserved and there is a moderate physicochemical difference between glycine and arginine. In summary, the available evidence is currently insufficient to determine the role of this variant in disease. Therefore, it has been classified as a Variant of Uncertain Significance.